The following is an entry in ClinVar:

ClinVar aggregate classification (germline): Uncertain significance (1 of 4 stars; one submission).

Conditions:
Syndromic multisystem autoimmune disease due to ITCH deficiency. Also called: AUTOIMMUNE DISEASE, MULTISYSTEM, WITH FACIAL DYSMORPHISM. Identifiers: Orphanet 228426, MedGen C3150649, MONDO:0013245, OMIM 613385.

Submission:

Labcorp Genetics (formerly Invitae), Labcorp
Classification: Uncertain significance for Syndromic multisystem autoimmune disease due to ITCH deficiency. Last evaluated: 2021-09-24. Review status: criteria provided, single submitter. Criteria: Invitae Variant Classification Sherloc (09022015). Collection method: clinical testing. Allele origin: germline.
Comment: This sequence change replaces threonine with isoleucine at codon 448 of the ITCH protein (p.Thr448Ile). The threonine residue is highly conserved and there is a moderate physicochemical difference between threonine and isoleucine. This variant is not present in population databases (ExAC no frequency). This variant has not been reported in the literature in individuals with ITCH-related conditions. Algorithms developed to predict the effect of missense changes on protein structure and function are either unavailable or do not agree on the potential impact of this missense change (SIFT: "Not Available"; PolyPhen-2: "Probably Damaging"; Align-GVGD: "Not Available"). In summary, the available evidence is currently insufficient to determine the role of this variant in disease. Therefore, it has been classified as a Variant of Uncertain Significance.

NM_031483.7(ITCH):c.1343C>T (p.Thr448Ile)

Gene: ITCH (itchy E3 ubiquitin protein ligase; plus strand). Cytogenetic location: 20q11.22.
Variant type: single nucleotide variant.
Coding change: c.1343C>T on transcript NM_031483.7 (MANE Select); coding-DNA position 1343, C replaced by T.
Protein change: p.Thr448Ile; replaces threonine 448 with isoleucine.
Molecular consequence: missense variant.
Genome position (GRCh38, 1-based): chr20:34,462,140, C>T. VCF-style: chr20-34462140-C-T. GRCh37 (hg19) VCF-style: chr20-33049945-C-T.
Other names: c.1466C>T, p.Thr489Ile (NM_001257137.3, NM_001324197.2); c.1013C>T, p.Thr338Ile (NM_001257138.3); c.1343C>T, p.Thr448Ile (NM_001324198.2); short protein forms T338I, T448I, T489I.
Identifiers: ClinVar variation 1359708 (VCV001359708.5), dbSNP rs2146375451, ClinGen allele CA408666424.